The following is an entry in ClinVar:

ClinVar aggregate classification (germline): Uncertain significance (1 of 4 stars; one submission).

Conditions:
Early-infantile DEE. Also called: Ohtahara syndrome; Early infantile epileptic encephalopathy; Early infantile epileptic encephalopathy with suppression bursts. Identifiers: Orphanet 1934, MedGen C0393706, MONDO:0800491.

Submission:

Labcorp Genetics (formerly Invitae), Labcorp
Classification: Uncertain significance for Early-infantile DEE. Last evaluated: 2025-05-17. Review status: criteria provided, single submitter. Criteria: Invitae Variant Classification Sherloc (09022015). Collection method: clinical testing. Allele origin: germline.
Comment: This sequence change replaces leucine, which is neutral and non-polar, with phenylalanine, which is neutral and non-polar, at codon 70 of the ARHGEF15 protein (p.Leu70Phe). This variant is not present in population databases (gnomAD no frequency). This variant has not been reported in the literature in individuals affected with ARHGEF15-related conditions. An algorithm developed to predict the effect of missense changes on protein structure and function (PolyPhen-2) suggests that this variant is likely to be disruptive. In summary, the available evidence is currently insufficient to determine the role of this variant in disease. Therefore, it has been classified as a Variant of Uncertain Significance.

NM_173728.4(ARHGEF15):c.208C>T (p.Leu70Phe)

Gene: ARHGEF15 (Rho guanine nucleotide exchange factor 15; plus strand). Cytogenetic location: 17p13.1.
Variant type: single nucleotide variant.
Coding change: c.208C>T on transcript NM_173728.4 (MANE Select); coding-DNA position 208, C replaced by T.
Protein change: p.Leu70Phe; replaces leucine 70 with phenylalanine.
Molecular consequence: missense variant.
Genome position (GRCh38, 1-based): chr17:8,312,247, C>T. VCF-style: chr17-8312247-C-T. GRCh37 (hg19) VCF-style: chr17-8215565-C-T.
Other names: c.208C>T, p.Leu70Phe (NM_025014.2); short protein forms L70F.
Identifiers: ClinVar variation 4805443 (VCV004805443.1).
Genomic context (GRCh38, chr17:8,312,247, plus strand): 5'-TCCAATGATGCACCAACCCCAATGTGCACCCCCATCTTCTGGGAGCCCCCAGCTGCATCC[C>T]TCAAGCCCCCTGCTCTTTTGCCCCCCTCAGCTTCTAGAGCCAGCCTCGACTCCCAGACTT-3'
Protein context (NP_776089.2, residues 60-80): PIFWEPPAAS[Leu70Phe]KPPALLPPSA